The following is an entry in ClinVar:

NM_000289.6(PFKM):c.*282C>T

Gene: PFKM (phosphofructokinase, muscle; plus strand). Cytogenetic location: 12q13.11.
Variant type: single nucleotide variant.
Coding change: c.*282C>T on transcript NM_000289.6 (MANE Select); 282 bases downstream of the stop codon, C replaced by T.
Molecular consequence: 3 prime UTR variant. On other transcripts: non-coding transcript variant (6).
Genome position (GRCh38, 1-based): chr12:48,145,990, C>T. VCF-style: chr12-48145990-C-T. GRCh37 (hg19) VCF-style: chr12-48539773-C-T.
Other names: c.*282C>T (NM_001166686.2, NM_001166687.2, NM_001166688.2 and 15 more transcripts).
Identifiers: ClinVar variation 883072 (VCV000883072.4), dbSNP rs8977, ClinGen allele CA236520306.
Genomic context (GRCh38, chr12:48,145,990, plus strand): 5'-CACACAAGGCTGGGCACCTCTAGTGCTACTGCTAGATATCACTTACTCAGTTAGAATTTT[C>T]CTAAAAATAAGCTTTATTTATTTCTTTGTGATAACAAAGAGTCTTGGTTCCTCTACTACT-3'

ClinVar aggregate classification (germline): Benign (1 of 4 stars; one submission).

Conditions:
Glycogen storage disease, type VII (GSD7). Also called: GSD VII; MUSCLE PHOSPHOFRUCTOKINASE DEFICIENCY; PFKM DEFICIENCY; TARUI DISEASE. Identifiers: Orphanet 371, MedGen C0017926, MONDO:0009295, OMIM 232800.

Allele frequency attached by ClinVar (database versions not stated): 1000 Genomes Project 0.00819; gnomAD 0.00835 and 0.00906; 1000 Genomes Project 30x 0.00843; TOPMed 0.00989.
gnomAD v4.1: 1,567 of 425,168 alleles (0.37%); highest among the groups gnomAD compares: African/African-American, 2.7%; 24 homozygotes.

Submission:

Illumina Laboratory Services, Illumina
Classification: Benign for Glycogen storage disease, type VII. Last evaluated: 2017-04-27. Review status: criteria provided, single submitter. Criteria: ICSL Variant Classification Criteria 13 December 2019. Collection method: clinical testing. Allele origin: germline.
Comment: This variant was observed as part of a predisposition screen in an ostensibly healthy population. A literature search was performed for the gene, cDNA change, and amino acid change (where applicable). No publications were found based on this search. Allele frequency data from public databases was too high to be consistent with this variant causing disease. Therefore, this variant is classified as benign.